The following is an entry in ClinVar:

NM_002907.4(RECQL):c.167G>A (p.Gly56Glu)

Gene: RECQL (RecQ like helicase; minus strand). Cytogenetic location: 12p12.1.
Variant type: single nucleotide variant.
Coding change: c.167G>A on transcript NM_002907.4 (MANE Select); coding-DNA position 167, G replaced by A.
Protein change: p.Gly56Glu; replaces glycine 56 with glutamic acid.
Molecular consequence: missense variant.
Genome position (GRCh38, 1-based): chr12:21,491,566, C>T on the plus strand (G>A on the coding strand, the complement: RECQL is on the minus strand). VCF-style: chr12-21491566-C-T. GRCh37 (hg19) VCF-style: chr12-21644500-C-T.
Other names: c.167G>A, p.Gly56Glu (NM_032941.3); short protein forms G56E.
Identifiers: ClinVar variation 4863104 (VCV004863104.1).

ClinVar aggregate classification (germline): Uncertain significance (1 of 4 stars; one submission).

Submission:

Ambry Genetics
Classification: Uncertain significance. Last evaluated: 2026-04-30. Review status: criteria provided, single submitter. Criteria: Ambry Variant Classification Scheme 2023. Collection method: clinical testing. Allele origin: germline.
Comment: The p.G56E variant (also known as c.167G>A), located in coding exon 2 of the RECQL gene, results from a G to A substitution at nucleotide position 167. The glycine at codon 56 is replaced by glutamic acid, an amino acid with similar properties. This amino acid position is conserved. In addition, this alteration is predicted to be tolerated by in silico analysis. Based on the available evidence, the clinical significance of this variant remains unclear.